The following is an entry in ClinVar:

NM_021615.5(CHST6):c.*1058G>A

Gene: CHST6 (carbohydrate sulfotransferase 6; minus strand). Cytogenetic location: 16q23.1.
Variant type: single nucleotide variant.
Coding change: c.*1058G>A on transcript NM_021615.5 (MANE Select); 1058 bases downstream of the stop codon, G replaced by A.
Molecular consequence: 3 prime UTR variant.
Genome position (GRCh38, 1-based): chr16:75,477,583, C>T on the plus strand (G>A on the coding strand, the complement: CHST6 is on the minus strand). VCF-style: chr16-75477583-C-T. GRCh37 (hg19) VCF-style: chr16-75511481-C-T.
Identifiers: ClinVar variation 320580 (VCV000320580.5), dbSNP rs137868909, ClinGen allele CA10648979.
Genomic context (GRCh38, chr16:75,477,583, plus strand): 5'-TTATGTGGCTAACTCAACTTCCCTGTCCTTTCCAGAGGTTCCATGAGCTCTTCTTTTAAA[C>T]ATGTACTGGGCACTTATAGGCTCTCATTTCCTGAGCTCGGGACTAAACCCTCTACACATC-3'

ClinVar aggregate classification (germline): Benign (1 of 4 stars; one submission).

Conditions:
Macular corneal dystrophy (MCD). Also called: GROENOUW TYPE II CORNEAL DYSTROPHY; Macular corneal dystrophy Type I. Identifiers: Orphanet 98969, MedGen C1636149, MONDO:0009020, OMIM 217800.

Allele frequency attached by ClinVar (database versions not stated): TOPMed 0.00488; 1000 Genomes Project 30x 0.00874; 1000 Genomes Project 0.00978; gnomAD exomes 0.01667.

Submission:

Illumina Laboratory Services, Illumina
Classification: Benign for Macular corneal dystrophy. Last evaluated: 2018-01-13. Review status: criteria provided, single submitter. Criteria: ICSL Variant Classification Criteria 13 December 2019. Collection method: clinical testing. Allele origin: germline.
Comment: This variant was observed in the ICSL laboratory as part of a predisposition screen in an ostensibly healthy population. It had not been previously curated by ICSL or reported in the Human Gene Mutation Database (HGMD: prior to June 1st, 2018), and was therefore a candidate for classification through an automated scoring system. Utilizing variant allele frequency, disease prevalence and penetrance estimates, and inheritance mode, an automated score was calculated to assess if this variant is too frequent to cause the disease. Based on the score and internal cut-off values, a variant classified as benign is not then subjected to further curation. The score for this variant resulted in a classification of benign for this disease.